The following is an entry in ClinVar:

ClinVar aggregate classification (germline): Conflicting classifications of pathogenicity. Review status: criteria provided, conflicting classifications (1 of 4 stars). 3 submissions from 3 submitters: Uncertain significance (1); Likely benign (2). Last evaluated 2025-12-15.

Conditions:
Pyruvate carboxylase deficiency. Also called: ATAXIA WITH LACTIC ACIDOSIS II; LEIGH NECROTIZING ENCEPHALOPATHY DUE TO PYRUVATE CARBOXYLASE DEFICIENCY; LEIGH SYNDROME DUE TO PYRUVATE CARBOXYLASE DEFICIENCY; PC DEFICIENCY; Pyruvate Carboxylase Deficiency Disease. Identifiers: Orphanet 3008, MedGen C0034341, MONDO:0009949, OMIM 266150.
Inborn genetic diseases. Identifiers: MedGen C0950123, MeSH D030342.

Allele frequency attached by ClinVar (database versions not stated): TOPMed 0.00002; gnomAD 0.00005; gnomAD exomes 0.00005; ExAC 0.00006; 1000 Genomes Project 30x 0.00016; 1000 Genomes Project 0.00020.
gnomAD v4.1: 84 of 1,604,468 alleles (0.0052%); highest among the groups gnomAD compares: South Asian, 0.011%; no homozygotes.

Submissions (3):

Labcorp Genetics (formerly Invitae), Labcorp
Classification: Likely benign for Pyruvate carboxylase deficiency. Last evaluated: 2025-12-15. Review status: criteria provided, single submitter. Criteria: Invitae Variant Classification Sherloc (09022015). Collection method: clinical testing. Allele origin: germline.

Ambry Genetics
Classification: Likely benign for Inborn genetic diseases. Last evaluated: 2025-01-20. Review status: criteria provided, single submitter. Criteria: Ambry Variant Classification Scheme 2023. Collection method: clinical testing. Allele origin: germline.

GeneDx
Classification: Uncertain significance. Last evaluated: 2022-11-04. Review status: criteria provided, single submitter. Criteria: GeneDx Variant Classification Process June 2021. Collection method: clinical testing. Allele origin: germline. Affected: yes.
Comment: Not observed at a significant frequency in large population cohorts (gnomAD); In silico analysis supports that this missense variant does not alter protein structure/function; Has not been previously published as pathogenic or benign to our knowledge

NM_001040716.2(PC):c.1582G>A (p.Val528Ile)

Gene: PC (pyruvate carboxylase; minus strand). Cytogenetic location: 11q13.2.
Variant type: single nucleotide variant.
Coding change: c.1582G>A on transcript NM_001040716.2 (MANE Select); coding-DNA position 1582, G replaced by A.
Protein change: p.Val528Ile; replaces valine 528 with isoleucine.
Molecular consequence: missense variant.
Genome position (GRCh38, 1-based): chr11:66,852,768, C>T on the plus strand (G>A on the coding strand, the complement: PC is on the minus strand). VCF-style: chr11-66852768-C-T. GRCh37 (hg19) VCF-style: chr11-66620239-C-T.
Other names: c.1582G>A, p.Val528Ile (NM_000920.4, NM_022172.3); short protein forms V528I.
Identifiers: ClinVar variation 1722948 (VCV001722948.8), dbSNP rs200433873, ClinGen allele CA6131331.
Genomic context (GRCh38, chr11:66,852,768, plus strand): 5'-CTGTCTCCCCCATGAGTTGACAGAATGGATCTCACCTACCTATGGGCACTGCAGGGACAA[C>T]GGGGTCCGTGGGGCTGGGGCTGGCCTTGACGGGAATCGGGGTGGTTGGACCGTTTACCAT-3'
Protein context (NP_001035806.1, residues 518-538): VKASPSPTDP[Val528Ile]VPAVPIGPPP